The following is an entry in ClinVar:

ClinVar aggregate classification (germline): Uncertain significance (1 of 4 stars; one submission).

Allele frequency attached by ClinVar (database versions not stated): gnomAD 0.00001; TOPMed 0.00002; ESP Exome Variant Server 0.00015; gnomAD exomes below 0.00001.
gnomAD v4.1: 3 of 1,604,380 alleles (0.00019%); highest among the groups gnomAD compares: Non-Finnish European, 0.00026%; no homozygotes.

Submission:

Labcorp Genetics (formerly Invitae), Labcorp
Classification: Uncertain significance. Last evaluated: 2024-03-08. Review status: criteria provided, single submitter. Criteria: Invitae Variant Classification Sherloc (09022015). Collection method: clinical testing. Allele origin: germline.
Comment: This sequence change replaces asparagine, which is neutral and polar, with isoleucine, which is neutral and non-polar, at codon 98 of the DNM1L protein (p.Asn98Ile). This variant is not present in population databases (gnomAD no frequency). This variant has not been reported in the literature in individuals affected with DNM1L-related conditions. ClinVar contains an entry for this variant (Variation ID: 1395860). An algorithm developed to predict the effect of missense changes on protein structure and function (PolyPhen-2) suggests that this variant is likely to be disruptive. In summary, the available evidence is currently insufficient to determine the role of this variant in disease. Therefore, it has been classified as a Variant of Uncertain Significance.

NM_012062.5(DNM1L):c.293A>T (p.Asn98Ile)

Gene: DNM1L (dynamin 1 like; plus strand). Cytogenetic location: 12p11.21.
Variant type: single nucleotide variant.
Coding change: c.293A>T on transcript NM_012062.5 (MANE Select); coding-DNA position 293, A replaced by T.
Protein change: p.Asn98Ile; replaces asparagine 98 with isoleucine.
Molecular consequence: missense variant.
Genome position (GRCh38, 1-based): chr12:32,707,409, A>T. VCF-style: chr12-32707409-A-T. GRCh37 (hg19) VCF-style: chr12-32860343-A-T.
Other names: c.293A>T, p.Asn98Ile (NM_001278463.2, NM_005690.5, NM_012063.4); c.332A>T, p.Asn111Ile (NM_001278464.2, NM_001278465.2, NM_001330380.2); c.127A>T, p.Ile43Leu (NM_001278466.2); short protein forms I43L, N98I, N111I.
Identifiers: ClinVar variation 1395860 (VCV001395860.6), dbSNP rs141185042, ClinGen allele CA235238876.